The following is an entry in ClinVar:

NM_001908.5(CTSB):c.722C>T (p.Ala241Val)

Gene: CTSB (cathepsin B). Cytogenetic location: 8p23.1.
Variant type: single nucleotide variant.
Coding change: c.722C>T on transcript NM_001908.5 (MANE Select); coding-DNA position 722, C replaced by T.
Protein change: p.Ala241Val; replaces alanine 241 with valine.
Molecular consequence: missense variant.
Genome position (GRCh38, 1-based): chr8:11,847,123, G>A on the plus strand (C>T on the coding strand, the complement: CTSB is on the minus strand). VCF-style: chr8-11847123-G-A. GRCh37 (hg19) VCF-style: chr8-11704632-G-A.
Other names: c.350C>T, p.Ala117Val (NM_001317237.2); c.722C>T, p.Ala241Val (NM_001384714.1, NM_001384723.1, NM_001384724.1 and 8 more transcripts); short protein forms A117V, A241V.
Identifiers: ClinVar variation 1496764 (VCV001496764.6), dbSNP rs375382119, ClinGen allele CA4632572.

ClinVar aggregate classification (germline): Uncertain significance (1 of 4 stars; one submission).

Allele frequency attached by ClinVar (database versions not stated): gnomAD exomes 0.00001 and 0.00003; ExAC 0.00002; gnomAD 0.00004; TOPMed 0.00005; ESP Exome Variant Server 0.00008.
gnomAD v4.1: 51 of 1,612,424 alleles (0.0032%); highest among the groups gnomAD compares: African/African-American, 0.011%; no homozygotes.

Submission:

Labcorp Genetics (formerly Invitae), Labcorp
Classification: Uncertain significance. Last evaluated: 2024-02-17. Review status: criteria provided, single submitter. Criteria: Invitae Variant Classification Sherloc (09022015). Collection method: clinical testing. Allele origin: germline.
Comment: This sequence change replaces alanine, which is neutral and non-polar, with valine, which is neutral and non-polar, at codon 241 of the CTSB protein (p.Ala241Val). The frequency data for this variant in the population databases is considered unreliable, as metrics indicate poor data quality at this position in the gnomAD database. This variant has not been reported in the literature in individuals affected with CTSB-related conditions. ClinVar contains an entry for this variant (Variation ID: 1496764). An algorithm developed to predict the effect of missense changes on protein structure and function (PolyPhen-2) suggests that this variant is likely to be tolerated. In summary, the available evidence is currently insufficient to determine the role of this variant in disease. Therefore, it has been classified as a Variant of Uncertain Significance.